The following is an entry in ClinVar:

NM_054012.4(ASS1):c.725C>T (p.Thr242Ile)

Gene: ASS1 (argininosuccinate synthase 1; plus strand). Cytogenetic location: 9q34.11.
Variant type: single nucleotide variant.
Coding change: c.725C>T on transcript NM_054012.4 (MANE Select); coding-DNA position 725, C replaced by T.
Protein change: p.Thr242Ile; replaces threonine 242 with isoleucine.
Molecular consequence: missense variant.
Genome position (GRCh38, 1-based): chr9:130,479,752, C>T. VCF-style: chr9-130479752-C-T. GRCh37 (hg19) VCF-style: chr9-133355139-C-T.
Other names: c.725C>T, p.Thr242Ile (NM_000050.4); short protein forms T242I.
Identifiers: ClinVar variation 2577262 (VCV002577262.1), dbSNP rs2490590004, ClinGen allele CA375229190.

ClinVar aggregate classification (germline): Uncertain significance (1 of 4 stars; one submission).

Allele frequency attached by ClinVar (database versions not stated): gnomAD exomes below 0.00001.
gnomAD v4.1: 4 of 1,614,208 alleles (0.00025%); highest among the groups gnomAD compares: East Asian, 0.0022%; no homozygotes.

Submission:

Women's Health and Genetics/Laboratory Corporation of America, LabCorp
Classification: Uncertain significance. Last evaluated: 2023-07-27. Review status: criteria provided, single submitter. Criteria: LabCorp Variant Classification Summary - May 2015. Collection method: clinical testing. Allele origin: germline.
Comment: Variant summary: ASS1 c.725C>T (p.Thr242Ile) results in a non-conservative amino acid change in the encoded protein sequence. Three of five in-silico tools predict a damaging effect of the variant on protein function. The variant was absent in 251472 control chromosomes. The available data on variant occurrences in the general population are insufficient to allow any conclusion about variant significance. c.725C>T has been reported in the literature in at least one compound heterozygous fetus affected with Citrullinemia diagnosed by abnormal brain MRI and genetic diagnosis (e.g. Pangalos_2016). To our knowledge, no experimental evidence demonstrating an impact on protein function has been reported. The following publication has been ascertained in the context of this evaluation (PMID: 27168972). No submitters have cited clinical-significance assessments for this variant to ClinVar after 2014. Based on the evidence outlined above, the variant was classified as uncertain significance.

Literature cited by the submitters: PubMed 27168972.